The following is an entry in ClinVar:

NM_005357.4(LIPE):c.1497C>T (p.Asn499=)

Genes: LIPE (lipase E, hormone sensitive type; minus strand), LIPE-AS1 (LIPE antisense RNA 1; plus strand), LOC101930071 (uncharacterized LOC101930071; plus strand). Cytogenetic location: 19q13.2.
Variant type: single nucleotide variant.
Coding change: c.1497C>T on transcript NM_005357.4 (MANE Select); coding-DNA position 1497, C replaced by T.
Protein change: p.Asn499=; no amino-acid change (asparagine 499 retained).
Molecular consequence: synonymous variant. On other transcripts: 5 prime UTR variant (1).
Genome position (GRCh38, 1-based): chr19:42,408,245, G>A on the plus strand (C>T on the coding strand, the complement: LIPE is on the minus strand). VCF-style: chr19-42408245-G-A. GRCh37 (hg19) VCF-style: chr19-42912397-G-A.
Other names: c.732C>T, p.Asn244= (NM_001416100.1, NM_001416101.1, NM_001416105.1); c.627C>T, p.Asn209= (NM_001416102.1, NM_001416106.1); c.594C>T, p.Asn198= (NM_001416103.1, NM_001416104.1); c.138C>T, p.Asn46= (NM_001416107.1); c.-145C>T (NM_001416108.1); c.1497C>T (NM_005357.2).
Identifiers: ClinVar variation 3055360 (VCV003055360.17), dbSNP rs150594707, ClinGen allele CA9477004.

ClinVar aggregate classification (germline): Likely benign. Review status: criteria provided, multiple submitters, no conflicts (2 of 4 stars). 3 submissions from 3 submitters: Likely benign (2). 1 of the submissions does not count toward it. Last evaluated 2024-11-11.

Conditions:
LIPE-related disorder. Also called: LIPE-related condition.
Inborn genetic diseases. Identifiers: MedGen C0950123, MeSH D030342.

Allele frequency attached by ClinVar (database versions not stated): 1000 Genomes Project 30x 0.00016; 1000 Genomes Project 0.00020; ESP Exome Variant Server 0.00023; gnomAD exomes 0.00027; TOPMed 0.00031; ExAC 0.00033; gnomAD 0.00040.
gnomAD v4.1: 443 of 1,614,024 alleles (0.027%); highest among the groups gnomAD compares: Middle Eastern, 0.033%; 1 homozygote.

Submissions (3):

Ambry Genetics
Classification: Likely benign for Inborn genetic diseases. Last evaluated: 2024-11-11. Review status: criteria provided, single submitter. Criteria: Ambry Variant Classification Scheme 2023. Collection method: clinical testing. Allele origin: germline.

CeGaT Center for Human Genetics Tuebingen
Classification: Likely benign. Last evaluated: 2024-11-01. Review status: criteria provided, single submitter. Criteria: CeGaT Center For Human Genetics Tuebingen Variant Classification Criteria Version 2. Collection method: clinical testing. Allele origin: germline. Affected: yes. Observed: 1 variant allele.
Comment: LIPE: BP4, BP7

PreventionGenetics, part of Exact Sciences
Classification: Likely benign for LIPE-related condition. Last evaluated: 2019-05-01. Review status: no assertion criteria provided. Collection method: clinical testing. Allele origin: germline. Not counted in ClinVar's aggregate classification.
Comment: This variant is classified as likely benign based on ACMG/AMP sequence variant interpretation guidelines (Richards et al. 2015 PMID: 25741868, with internal and published modifications).